The following is an entry in ClinVar:

NM_000051.4(ATM):c.6348-19del

Genes: ATM (ATM serine/threonine kinase; plus strand), C11orf65 (chromosome 11 open reading frame 65; minus strand). Cytogenetic location: 11q22.3.
Variant type: Deletion.
Coding change: c.6348-19del on transcript NM_000051.4 (MANE Select); 19 bases into the intron before coding-DNA position 6348, one base deleted (T; older notation c.6348-19delT).
Molecular consequence: intron variant.
Genome position (GRCh38, 1-based): chr11:108,319,935, T deleted; the last of 7 consecutive T bases (chr11:108,319,929-108,319,935); deleting any one gives the same sequence. VCF-style (leftmost placement, unchanged base first): chr11-108319928-AT-A. GRCh37 (hg19) VCF-style: chr11-108190655-AT-A.
Other names: c.6348-19del (NM_001351834.2); c.641-10858del (NM_001330368.2); c.*39-10858del (NM_001351110.2); c.6348-19delT (NM_000051.4).
Identifiers: ClinVar variation 2575342 (VCV002575342.3), dbSNP rs1565508524, ClinGen allele CA601725491.
Genomic context (GRCh38, chr11:108,319,928, plus strand): 5'-ATTTTGTCCTTTGGTGAAGCTATTTATACATGTATATCTTAGGGTTCTGTTTTTAAGTAT[AT>A]TTTTTTCTTTGACTTATCTCACAGCAAAGAAGTAGAAGGAACCAGTTACCATGAATCATT-3'

ClinVar aggregate classification (germline): Benign/Likely benign. Review status: criteria provided, multiple submitters, no conflicts (2 of 4 stars). 2 submissions from 2 submitters: Benign (1); Likely benign (1). Last evaluated 2025-03-04.

Conditions:
Familial cancer of breast. Also called: BREAST CANCER, FAMILIAL; Hereditary breast cancer; hereditary breast carcinoma. Identifiers: Orphanet 227535, MedGen C0346153, MONDO:0016419, OMIM 114480. Disease mechanism: loss of function.

Submissions (2):

Center for Genomic Medicine, Rigshospitalet, Copenhagen University Hospital
Classification: Likely benign. Last evaluated: 2025-03-04. Review status: criteria provided, single submitter. Criteria: ACMG Guidelines, 2015. Collection method: clinical testing. Allele origin: germline.

Myriad Genetics, Inc.
Classification: Benign for Familial cancer of breast. Last evaluated: 2024-06-05. Review status: criteria provided, single submitter. Criteria: Myriad Autosomal Dominant, Autosomal Recessive and X-Linked Classification Criteria (2023). Collection method: clinical testing. Allele origin: unknown.
Comment: This variant is considered benign. This variant is intronic and is not expected to impact mRNA splicing.